The following is an entry in ClinVar:

ClinVar aggregate classification (germline): Conflicting classifications of pathogenicity. Review status: criteria provided, conflicting classifications (1 of 4 stars). 5 submissions from 4 submitters: Uncertain significance (4); Likely benign (1). Last evaluated 2025-10-29.

Conditions:
Inborn genetic diseases. Identifiers: MedGen C0950123, MeSH D030342.
Spinocerebellar ataxia, autosomal recessive, with axonal neuropathy 2 (SCAN2). Also called: Ataxia-ocular apraxia-2; Ataxia with Oculomotor Apraxia; Ataxia with Oculomotor Apraxia Type 2; ATAXIA-OCULOMOTOR APRAXIA 2. Identifiers: Orphanet 64753, MedGen C1853761, MONDO:0018996, OMIM 606002.
Amyotrophic lateral sclerosis type 4 (ALS4). Also called: NEURONOPATHY, DISTAL HEREDITARY MOTOR, WITH PYRAMIDAL FEATURES; AMYOTROPHIC LATERAL SCLEROSIS 4, JUVENILE. Identifiers: Orphanet 357043, MedGen C1865409, MONDO:0011223, OMIM 602433.

Allele frequency attached by ClinVar (database versions not stated): gnomAD exomes 0.00001; TOPMed 0.00002.

Submissions (5):

Ambry Genetics
Classification: Uncertain significance for Inborn genetic diseases. Last evaluated: 2025-10-29. Review status: criteria provided, single submitter. Criteria: Ambry Variant Classification Scheme 2023. Collection method: clinical testing. Allele origin: germline.

Labcorp Genetics (formerly Invitae), Labcorp
Classification: Likely benign for Amyotrophic lateral sclerosis type 4; Spinocerebellar ataxia, autosomal recessive, with axonal neuropathy 2. Last evaluated: 2025-07-29. Review status: criteria provided, single submitter. Criteria: Invitae Variant Classification Sherloc (09022015). Collection method: clinical testing. Allele origin: germline.

GeneDx
Classification: Uncertain significance. Last evaluated: 2023-05-31. Review status: criteria provided, single submitter. Criteria: GeneDx Variant Classification Process June 2021. Collection method: clinical testing. Allele origin: germline. Affected: yes.
Comment: Not observed at significant frequency in large population cohorts (gnomAD); In silico analysis supports that this missense variant does not alter protein structure/function; Has not been previously published as pathogenic or benign to our knowledge

Genome-Nilou Lab
Classification: Uncertain significance for Spinocerebellar ataxia, autosomal recessive, with axonal neuropathy 2. Last evaluated: 2023-02-08. Review status: criteria provided, single submitter. Criteria: ACMG Guidelines, 2015. Collection method: clinical testing. Allele origin: germline.

Genome-Nilou Lab
Classification: Uncertain significance for Amyotrophic lateral sclerosis type 4. Last evaluated: 2023-02-08. Review status: criteria provided, single submitter. Criteria: ACMG Guidelines, 2015. Collection method: clinical testing. Allele origin: germline.

NM_015046.7(SETX):c.571G>A (p.Glu191Lys)

Gene: SETX (senataxin; minus strand). Cytogenetic location: 9q34.13.
Variant type: single nucleotide variant.
Coding change: c.571G>A on transcript NM_015046.7 (MANE Select); coding-DNA position 571, G replaced by A.
Protein change: p.Glu191Lys; replaces glutamic acid 191 with lysine.
Molecular consequence: missense variant.
Genome position (GRCh38, 1-based): chr9:132,336,443, C>T on the plus strand (G>A on the coding strand, the complement: SETX is on the minus strand). VCF-style: chr9-132336443-C-T. GRCh37 (hg19) VCF-style: chr9-135211830-C-T.
Other names: c.571G>A, p.Glu191Lys (NM_001351527.2, NM_001351528.2); short protein forms E191K.
Identifiers: ClinVar variation 1445929 (VCV001445929.12), dbSNP rs929798338, ClinGen allele CA200823213.